The following is an entry in ClinVar:

ClinVar aggregate classification (germline): Likely benign (1 of 4 stars; one submission).

Conditions:
Cone-rod dystrophy 5 (CORD5). Identifiers: Orphanet 1872, MedGen C1832976, MONDO:0010969, OMIM 600977.

Allele frequency attached by ClinVar (database versions not stated): 1000 Genomes Project 0.00120; 1000 Genomes Project 30x 0.00125; gnomAD 0.00197 and 0.00199; TOPMed 0.00203.

Submission:

Illumina Laboratory Services, Illumina
Classification: Likely benign for Cone-rod dystrophy 5. Last evaluated: 2018-01-13. Review status: criteria provided, single submitter. Criteria: ICSL Variant Classification Criteria 13 December 2019. Collection method: clinical testing. Allele origin: germline.
Comment: This variant was observed in the ICSL laboratory as part of a predisposition screen in an ostensibly healthy population. It had not been previously curated by ICSL or reported in the Human Gene Mutation Database (HGMD: prior to June 1st, 2018), and was therefore a candidate for classification through an automated scoring system. Utilizing variant allele frequency, disease prevalence and penetrance estimates, and inheritance mode, an automated score was calculated to assess if this variant is too frequent to cause the disease. Based on the score and internal cut-off values, a variant classified as likely benign is not then subjected to further curation. The score for this variant resulted in a classification of likely benign for this disease.

NM_031220.4(PITPNM3):c.*3132T>A

Gene: PITPNM3 (PITPNM family member 3; minus strand). Cytogenetic location: 17p13.2.
Variant type: single nucleotide variant.
Coding change: c.*3132T>A on transcript NM_031220.4 (MANE Select); 3132 bases downstream of the stop codon, T replaced by A.
Molecular consequence: 3 prime UTR variant.
Genome position (GRCh38, 1-based): chr17:6,452,206, A>T on the plus strand (T>A on the coding strand, the complement: PITPNM3 is on the minus strand). VCF-style: chr17-6452206-A-T. GRCh37 (hg19) VCF-style: chr17-6355526-A-T.
Other names: c.*3132T>A (NM_001165966.2).
Identifiers: ClinVar variation 324685 (VCV000324685.5), dbSNP rs570730657, ClinGen allele CA10649884.